The following is an entry in ClinVar:

ClinVar aggregate classification (germline): Uncertain significance. Review status: criteria provided, single submitter (1 of 4 stars). 3 submissions from 3 submitters: Uncertain significance (1). 2 of the submissions do not count toward it. Last evaluated 2024-07-11.

Conditions:
Iodotyrosyl coupling defect (TDH3). Also called: THYROID HORMONOGENESIS, GENETIC DEFECT IN, 3; HYPOTHYROIDISM, CONGENITAL, DUE TO DYSHORMONOGENESIS, 3. Identifiers: Orphanet 95716, MedGen C0342194, MONDO:0010135, OMIM 274700.

gnomAD v4.1: 7 of 1,614,166 alleles (0.00043%); highest among the groups gnomAD compares: South Asian, 0.0011%; no homozygotes.

Submissions (3):

Foundation for Research in Genetics and Endocrinology, FRIGE's Institute of Human Genetics
Classification: Uncertain significance for Iodotyrosyl coupling defect. Last evaluated: 2024-07-11. Review status: criteria provided, single submitter. Criteria: ACMG Guidelines, 2015. Collection method: clinical testing. Allele origin: germline. Inheritance: Autosomal recessive inheritance. Affected: yes. Observed: 1 homozygote.
Comment: A homozygous missense variant in exon 4 of the TG gene that results in the amino acid substitution of Phenylalanine for Cysteine at codon 92 (p.Cys92Phe; ENST00000220616.9) was detected . The p.Cys92Phe variant has not been reported in the 1000 genomes, gnomAD (v3.1), gnomAD (v2.1) and topmed databases. The in silico predictions of the variant are probably damaging by PolyPhen-2 and damaging by SIFT, LRT, and MutationTaster2. The reference codon is conserved across species.

Clinical Genetics DNA and cytogenetics Diagnostics Lab, Erasmus MC, Erasmus Medical Center
Classification: Uncertain significance. Review status: no assertion criteria provided. Collection method: clinical testing. Allele origin: germline. Affected: yes. Study: VKGL Data-share Consensus. Not counted in ClinVar's aggregate classification.

Clinical Genetics, Academic Medical Center
Classification: Uncertain significance. Review status: no assertion criteria provided. Collection method: clinical testing. Allele origin: germline. Affected: yes. Study: VKGL Data-share Consensus. Not counted in ClinVar's aggregate classification.

NM_003235.5(TG):c.275G>T (p.Cys92Phe)

Gene: TG (thyroglobulin; plus strand). Cytogenetic location: 8q24.22.
Variant type: single nucleotide variant.
Coding change: c.275G>T on transcript NM_003235.5 (MANE Select); coding-DNA position 275, G replaced by T.
Protein change: p.Cys92Phe; replaces cysteine 92 with phenylalanine.
Molecular consequence: missense variant.
Genome position (GRCh38, 1-based): chr8:132,871,348, G>T. VCF-style: chr8-132871348-G-T. GRCh37 (hg19) VCF-style: chr8-133883593-G-T.
Other names: p.Cys92Phe; short protein forms C92F.
Identifiers: ClinVar variation 1299955 (VCV001299955.3), dbSNP rs1313276149, ClinGen allele CA372246385.